The following is an entry in ClinVar:

ClinVar aggregate classification (germline): Uncertain significance (1 of 4 stars; one submission).

gnomAD v4.1: 5 of 1,613,340 alleles (0.00031%); highest among the groups gnomAD compares: Non-Finnish European, 0.00042%; no homozygotes.

Submission:

CeGaT Center for Human Genetics Tuebingen
Classification: Uncertain significance. Last evaluated: 2025-07-01. Review status: criteria provided, single submitter. Criteria: CeGaT Center For Human Genetics Tuebingen Variant Classification Criteria Version 2. Collection method: clinical testing. Allele origin: germline. Affected: yes. Observed: 1 variant allele.
Comment: TTN: PM2, BP4

NM_001267550.2(TTN):c.20935G>A (p.Val6979Ile)

Genes: TTN (titin; minus strand), LOC126806428 (BRD4-independent group 4 enhancer GRCh37_chr2:179588362-179589561; plus strand). Cytogenetic location: 2q31.2.
Variant type: single nucleotide variant.
Coding change: c.20935G>A on transcript NM_001267550.2 (MANE Select); coding-DNA position 20935, G replaced by A.
Protein change: p.Val6979Ile; replaces valine 6979 with isoleucine.
Molecular consequence: missense variant. On other transcripts: intron variant (3).
Genome position (GRCh38, 1-based): chr2:178,724,440, C>T on the plus strand (G>A on the coding strand, the complement: TTN is on the minus strand). VCF-style: chr2-178724440-C-T. GRCh37 (hg19) VCF-style: chr2-179589167-C-T.
Other names: c.13657+13642G>A (NM_133432.3); c.19984G>A, p.Val6662Ile (NM_001256850.1); c.17203G>A, p.Val5735Ile (NM_133378.4); c.13282+13642G>A (NM_003319.4); c.13858+13642G>A (NM_133437.4); short protein forms V5735I, V6662I, V6979I.
Identifiers: ClinVar variation 4085067 (VCV004085067.8).